The following is an entry in ClinVar:

NM_032108.4(SEMA6B):c.2327C>T (p.Ala776Val)

Gene: SEMA6B (semaphorin 6B; minus strand). Cytogenetic location: 19p13.3.
Variant type: single nucleotide variant.
Coding change: c.2327C>T on transcript NM_032108.4 (MANE Select); coding-DNA position 2327, C replaced by T.
Protein change: p.Ala776Val; replaces alanine 776 with valine.
Molecular consequence: missense variant.
Genome position (GRCh38, 1-based): chr19:4,543,941, G>A on the plus strand (C>T on the coding strand, the complement: SEMA6B is on the minus strand). VCF-style: chr19-4543941-G-A. GRCh37 (hg19) VCF-style: chr19-4543953-G-A.
Other names: short protein forms A776V.
Identifiers: ClinVar variation 5017549 (VCV005017549.1).
Genomic context (GRCh38, chr19:4,543,941, plus strand): 5'-TCCGGGCTGGCGTGGGGGGTGAGCGGGAAGTCGCCGTGGGAGGCGCGGCCGGGCCGGGCA[G>A]CATAGAGGCGGCCGTCGGGGGTCGGCTCCCCAGGCGCGGGGGGCTGCTCGGGGGCCCGGG-3'
Protein context (NP_115484.2, residues 766-786): GEPTPDGRLY[Ala776Val]ARPGRASHGD

ClinVar aggregate classification (germline): Uncertain significance (1 of 4 stars; one submission).

Submission:

GeneDx
Classification: Uncertain significance. Last evaluated: 2026-03-25. Review status: criteria provided, single submitter. Criteria: GeneDx Variant Classification Process June 2021. Collection method: clinical testing. Allele origin: germline.
Comment: Not observed at significant frequency in large population cohorts (gnomAD); In silico analysis suggests that this missense variant does not alter protein structure/function; Has not been previously published as pathogenic or benign to our knowledge